The following is an entry in ClinVar:

NM_000455.5(STK11):c.735-14C>T

Gene: STK11 (serine/threonine kinase 11; plus strand). Cytogenetic location: 19p13.3.
Variant type: single nucleotide variant.
Coding change: c.735-14C>T on transcript NM_000455.5 (MANE Select); 14 bases into the intron before coding-DNA position 735, C replaced by T.
Molecular consequence: intron variant.
Genome position (GRCh38, 1-based): chr19:1,221,199, C>T. VCF-style: chr19-1221199-C-T. GRCh37 (hg19) VCF-style: chr19-1221198-C-T.
Identifiers: ClinVar variation 921579 (VCV000921579.12), dbSNP rs375598147, ClinGen allele CA048797.

ClinVar aggregate classification (germline): Likely benign. Review status: criteria provided, multiple submitters, no conflicts (2 of 4 stars). 3 submissions from 3 submitters: Likely benign (3). Last evaluated 2025-10-14.

Conditions:
Hereditary cancer-predisposing syndrome. Also called: Hereditary Cancer Syndrome; Hereditary neoplastic syndrome; Neoplastic Syndromes, Hereditary; Tumor predisposition. Identifiers: Orphanet 140162, MedGen C0027672, MeSH D009386, MONDO:0015356.
Peutz-Jeghers syndrome (PJS). Also called: POLYPOSIS, HAMARTOMATOUS INTESTINAL; POLYPS-AND-SPOTS SYNDROME; Peutz-Jeghers polyposis; Periorificial lentiginosis syndrome. Identifiers: Orphanet 2869, MedGen C0031269, MeSH D010580, MONDO:0008280, OMIM 175200.

Allele frequency attached by ClinVar (database versions not stated): gnomAD exomes below 0.00001 and 0.00001; ExAC 0.00001.
gnomAD v4.1: 3 of 1,611,402 alleles (0.00019%); highest among the groups gnomAD compares: Admixed American, 0.0033%; no homozygotes.

Submissions (3):

Labcorp Genetics (formerly Invitae), Labcorp
Classification: Likely benign for Peutz-Jeghers syndrome. Last evaluated: 2025-10-14. Review status: criteria provided, single submitter. Criteria: Invitae Variant Classification Sherloc (09022015). Collection method: clinical testing. Allele origin: germline.

Myriad Genetics, Inc.
Classification: Likely benign for Peutz-Jeghers syndrome. Last evaluated: 2025-03-27. Review status: criteria provided, single submitter. Criteria: Myriad Autosomal Dominant, Autosomal Recessive and X-Linked Classification Criteria (2023). Collection method: clinical testing. Allele origin: unknown.
Comment: This variant is considered likely benign. This variant is intronic and is not expected to impact mRNA splicing.

Color Diagnostics, LLC DBA Color Health
Classification: Likely benign for Hereditary cancer-predisposing syndrome. Last evaluated: 2021-05-03. Review status: criteria provided, single submitter. Criteria: ACMG Guidelines, 2015. Collection method: clinical testing. Allele origin: germline.